The following is an entry in ClinVar:

ClinVar aggregate classification (germline): Pathogenic/Likely pathogenic. Review status: criteria provided, multiple submitters, no conflicts (2 of 4 stars). 2 submissions from 2 submitters: Pathogenic (1); Likely pathogenic (1). Last evaluated 2025-12-04.

Conditions:
Alport syndrome. Also called: Hemorrhagic familial nephritis; Hemorrhagic hereditary nephritis; Congenital hereditary hematuria. Identifiers: Orphanet 63, MedGen C1567741, MONDO:0018965.

Submissions (2):

Labcorp Genetics (formerly Invitae), Labcorp
Classification: Pathogenic. Last evaluated: 2025-12-04. Review status: criteria provided, single submitter. Criteria: Invitae Variant Classification Sherloc (09022015). Collection method: clinical testing. Allele origin: germline.
Comment: This sequence change creates a premature translational stop signal (p.Ser1437Tyrfs*93) in the COL4A3 gene. It is expected to result in an absent or disrupted protein product. Loss-of-function variants in COL4A3 are known to be pathogenic (PMID: 8956999, 24854265, 26809805, 27281700). This variant is not present in population databases (gnomAD no frequency). This variant has not been reported in the literature in individuals affected with COL4A3-related conditions. For these reasons, this variant has been classified as Pathogenic.

Natera, Inc.
Classification: Likely pathogenic for Alport syndrome. Last evaluated: 2024-08-06. Review status: criteria provided, single submitter. Criteria: Natera Variant Classification Schema (03/2026). Collection method: clinical testing. Allele origin: germline.
Comment: The c.4307_4308insCT variant in COL4A3 is a frameshift variant predicted to shift the reading frame beginning at codon 1437 and leads to a stop codon 93 codons downstream. This variant is expected to result in nonsense mediated decay, truncation, or a dysfunctional protein product. This variant is rare in the general population with a frequency below the threshold expected for the associated phenotype(s). Given the available evidence, this variant is classified as Likely Pathogenic.

Literature cited by the submitters: PubMed 8956999 (cited by Labcorp Genetics (formerly Invitae), Labcorp); PubMed 24854265 (cited by Labcorp Genetics (formerly Invitae), Labcorp); PubMed 26809805 (cited by Labcorp Genetics (formerly Invitae), Labcorp); PubMed 27281700 (cited by Labcorp Genetics (formerly Invitae), Labcorp).

NM_000091.5(COL4A3):c.4307_4308insCT (p.Ser1437fs)

Genes: COL4A3 (collagen type IV alpha 3 chain; plus strand), MFF-DT (MFF divergent transcript; minus strand). Cytogenetic location: 2q36.3.
Variant type: Insertion.
Coding change: c.4307_4308insCT on transcript NM_000091.5 (MANE Select); coding-DNA positions 4307 to 4308, CT inserted.
Protein change: p.Ser1437fs; shifts the reading frame from serine 1437.
Molecular consequence: frameshift variant.
Genome position: GRCh38 VCF-style: chr2-227307764-G-GCT. GRCh37 (hg19) VCF-style: chr2-228172480-G-GCT.
Other names: short protein forms S1437fs.
Identifiers: ClinVar variation 4770341 (VCV004770341.2).